The following is an entry in ClinVar:

ClinVar aggregate classification (germline): Uncertain significance (1 of 4 stars; one submission).

Submission:

Labcorp Genetics (formerly Invitae), Labcorp
Classification: Uncertain significance. Last evaluated: 2023-02-28. Review status: criteria provided, single submitter. Criteria: Invitae Variant Classification Sherloc (09022015). Collection method: clinical testing. Allele origin: germline.
Comment: This variant is not present in population databases (gnomAD no frequency). This sequence change replaces threonine, which is neutral and polar, with proline, which is neutral and non-polar, at codon 503 of the KMT2B protein (p.Thr503Pro). This variant has not been reported in the literature in individuals affected with KMT2B-related conditions. Advanced modeling of protein sequence and biophysical properties (such as structural, functional, and spatial information, amino acid conservation, physicochemical variation, residue mobility, and thermodynamic stability) performed at Invitae indicates that this missense variant is not expected to disrupt KMT2B protein function. In summary, the available evidence is currently insufficient to determine the role of this variant in disease. Therefore, it has been classified as a Variant of Uncertain Significance.

NM_014727.3(KMT2B):c.1507A>C (p.Thr503Pro)

Gene: KMT2B (lysine methyltransferase 2B; plus strand). Cytogenetic location: 19q13.12.
Variant type: single nucleotide variant.
Coding change: c.1507A>C on transcript NM_014727.3 (MANE Select); coding-DNA position 1507, A replaced by C.
Protein change: p.Thr503Pro; replaces threonine 503 with proline.
Molecular consequence: missense variant.
Genome position (GRCh38, 1-based): chr19:35,720,854, A>C. VCF-style: chr19-35720854-A-C. GRCh37 (hg19) VCF-style: chr19-36211756-A-C.
Other names: short protein forms T503P.
Identifiers: ClinVar variation 2841642 (VCV002841642.3), dbSNP rs2513315513, ClinGen allele CA405391655.